The following is an entry in ClinVar:

NM_004260.4(RECQL4):c.1111A>G (p.Ser371Gly)

Gene: RECQL4 (RecQ like helicase 4; minus strand). Cytogenetic location: 8q24.3.
Variant type: single nucleotide variant.
Coding change: c.1111A>G on transcript NM_004260.4 (MANE Select); coding-DNA position 1111, A replaced by G.
Protein change: p.Ser371Gly; replaces serine 371 with glycine.
Molecular consequence: missense variant.
Genome position (GRCh38, 1-based): chr8:144,516,008, T>C on the plus strand (A>G on the coding strand, the complement: RECQL4 is on the minus strand). VCF-style: chr8-144516008-T-C. GRCh37 (hg19) VCF-style: chr8-145741392-T-C.
Other names: c.1015A>G, p.Ser339Gly (NM_001413017.1, NM_001413020.1); c.1111A>G, p.Ser371Gly (NM_001413018.1, NM_001413019.1, NM_001413033.1 and 2 more transcripts); c.40A>G, p.Ser14Gly (NM_001413021.1, NM_001413022.1, NM_001413023.1 and 8 more transcripts); c.982A>G, p.Ser328Gly (NM_001413025.1); c.-23A>G (NM_001413027.1, NM_001413030.1, NM_001413031.1 and 2 more transcripts); c.760A>G, p.Ser254Gly (NM_001413029.1); c.-230A>G (NM_001413043.1); c.1111A>G (NM_004260.3); short protein forms S328G, S371G, S14G, S339G, S254G.
Identifiers: ClinVar variation 2167649 (VCV002167649.5), dbSNP rs2538078005, ClinGen allele CA372688006.

ClinVar aggregate classification (germline): Conflicting classifications of pathogenicity. Review status: criteria provided, conflicting classifications (1 of 4 stars). 2 submissions from 2 submitters: Uncertain significance (1); Likely benign (1). Last evaluated 2025-09-25.

Conditions:
Inborn genetic diseases. Identifiers: MedGen C0950123, MeSH D030342.
Baller-Gerold syndrome (BGS). Also called: CRANIOSYNOSTOSIS WITH RADIAL DEFECTS. Identifiers: Orphanet 1225, MedGen C0265308, MONDO:0009039, OMIM 218600.

Allele frequency attached by ClinVar (database versions not stated): gnomAD exomes below 0.00001.

Submissions (2):

Ambry Genetics
Classification: Likely benign for Inborn genetic diseases. Last evaluated: 2025-09-25. Review status: criteria provided, single submitter. Criteria: Ambry Variant Classification Scheme 2023. Collection method: clinical testing. Allele origin: germline.

Labcorp Genetics (formerly Invitae), Labcorp
Classification: Uncertain significance for Baller-Gerold syndrome. Last evaluated: 2022-05-13. Review status: criteria provided, single submitter. Criteria: Invitae Variant Classification Sherloc (09022015). Collection method: clinical testing. Allele origin: germline.
Comment: In summary, the available evidence is currently insufficient to determine the role of this variant in disease. Therefore, it has been classified as a Variant of Uncertain Significance. Experimental studies and prediction algorithms are not available or were not evaluated, and the functional significance of this variant is currently unknown. This variant has not been reported in the literature in individuals affected with RECQL4-related conditions. This variant is not present in population databases (gnomAD no frequency). This sequence change replaces serine, which is neutral and polar, with glycine, which is neutral and non-polar, at codon 371 of the RECQL4 protein (p.Ser371Gly).